The following is an entry in ClinVar:

ClinVar aggregate classification (germline): Likely benign. Review status: criteria provided, multiple submitters, no conflicts (2 of 4 stars). 3 submissions from 3 submitters: Likely benign (2). 1 of the submissions does not count toward it. Last evaluated 2026-01-13.

Conditions:
REST-related disorder. Also called: REST-related condition.

Allele frequency attached by ClinVar (database versions not stated): gnomAD 0.00005; gnomAD exomes 0.00005 and 0.00011; ExAC 0.00008; TOPMed 0.00010; 1000 Genomes Project 30x 0.00016; 1000 Genomes Project 0.00020.

Submissions (3):

Labcorp Genetics (formerly Invitae), Labcorp
Classification: Likely benign. Last evaluated: 2026-01-13. Review status: criteria provided, single submitter. Criteria: Invitae Variant Classification Sherloc (09022015). Collection method: clinical testing. Allele origin: germline.

Mayo Clinic Laboratories, Mayo Clinic
Classification: Likely benign. Last evaluated: 2025-03-11. Review status: criteria provided, single submitter. Criteria: ACMG Guidelines, 2015. Collection method: clinical testing. Allele origin: germline. Observed: 1 variant allele.
Comment: BS1, BP4_moderate

PreventionGenetics, part of Exact Sciences
Classification: Likely benign for REST-related condition. Last evaluated: 2024-06-17. Review status: no assertion criteria provided. Collection method: clinical testing. Allele origin: germline. Not counted in ClinVar's aggregate classification.
Comment: This variant is classified as likely benign based on ACMG/AMP sequence variant interpretation guidelines (Richards et al. 2015 PMID: 25741868, with internal and published modifications).

NM_005612.5(REST):c.2644T>A (p.Leu882Ile)

Gene: REST (RE1 silencing transcription factor; plus strand). Cytogenetic location: 4q12.
Variant type: single nucleotide variant.
Coding change: c.2644T>A on transcript NM_005612.5 (MANE Select); coding-DNA position 2644, T replaced by A.
Protein change: p.Leu882Ile; replaces leucine 882 with isoleucine.
Molecular consequence: missense variant.
Genome position (GRCh38, 1-based): chr4:56,931,502, T>A. VCF-style: chr4-56931502-T-A. GRCh37 (hg19) VCF-style: chr4-57797668-T-A.
Other names: p.Leu882Ile; c.2644T>A, p.Leu882Ile (NM_001193508.2, NM_001363453.3); short protein forms L882I.
Identifiers: ClinVar variation 1097782 (VCV001097782.11), dbSNP rs200452180, ClinGen allele CA2932524.
Genomic context (GRCh38, chr4:56,931,502, plus strand): 5'-CCACCATCACCACCACTGCCAAAGGAAAATTTAAGAGAAGAGGCATCAGGAGACCAAAAA[T>A]TACTCAACACAGGTGAAGGAAATAAAGAAGCCCCTCTTCAGAAAGTAGGAGCAGAAGAGG-3'
Protein context (NP_005603.3, residues 872-892): LREEASGDQK[Leu882Ile]LNTGEGNKEA